The following is an entry in ClinVar:

ClinVar aggregate classification (germline): Uncertain significance (1 of 4 stars; one submission).

Allele frequency attached by ClinVar (database versions not stated): TOPMed 0.00001.

Submission:

Labcorp Genetics (formerly Invitae), Labcorp
Classification: Uncertain significance. Last evaluated: 2022-04-17. Review status: criteria provided, single submitter. Criteria: Invitae Variant Classification Sherloc (09022015). Collection method: clinical testing. Allele origin: germline.
Comment: In summary, the available evidence is currently insufficient to determine the role of this variant in disease. Therefore, it has been classified as a Variant of Uncertain Significance. Algorithms developed to predict the effect of missense changes on protein structure and function (SIFT, PolyPhen-2, Align-GVGD) all suggest that this variant is likely to be tolerated. This variant has not been reported in the literature in individuals affected with ZNF408-related conditions. This variant is not present in population databases (gnomAD no frequency). This sequence change replaces serine, which is neutral and polar, with arginine, which is basic and polar, at codon 311 of the ZNF408 protein (p.Ser311Arg).

NM_024741.3(ZNF408):c.933C>A (p.Ser311Arg)

Gene: ZNF408 (zinc finger protein 408; plus strand). Cytogenetic location: 11p11.2.
Variant type: single nucleotide variant.
Coding change: c.933C>A on transcript NM_024741.3 (MANE Select); coding-DNA position 933, C replaced by A.
Protein change: p.Ser311Arg; replaces serine 311 with arginine.
Molecular consequence: missense variant.
Genome position (GRCh38, 1-based): chr11:46,704,633, C>A. VCF-style: chr11-46704633-C-A. GRCh37 (hg19) VCF-style: chr11-46726183-C-A.
Other names: c.909C>A, p.Ser303Arg (NM_001184751.2); short protein forms S303R, S311R.
Identifiers: ClinVar variation 1972923 (VCV001972923.5), dbSNP rs1238334115, ClinGen allele CA380254491.